The following is an entry in ClinVar:

ClinVar aggregate classification (germline): Likely pathogenic (1 of 4 stars; one submission).

Conditions:
Hypophosphatasia. Also called: Phosphoethanol-aminuria. Identifiers: Orphanet 436, MedGen C0020630, MeSH D007014, MONDO:0018570.

Submission:

Genomenon, Inc
Classification: Likely pathogenic for Hypophosphatasia. Last evaluated: 2026-09-01. Review status: criteria provided, single submitter. Criteria: Genomenon Sequence Variant Interpretation Standards - Updated. Collection method: curation. Allele origin: germline. Affected: no.
Comment: ALPL p.Ala485CysfsTer? (c.1452_1453insT) is a frameshift variant that results in the production of an extended protein product that disrupts the C-terminal GPI anchor signal sequence. This variant has been reported in the published literature (PMID:27342130). It is absent or not present at a significant frequency in gnomAD. In conclusion, we classify ALPL p.Ala485CysfsTer? (c.1452_1453insT) as a likely pathogenic variant.

Literature cited by the submitters: PubMed 27342130.

NM_000478.6(ALPL):c.1452_1453insT (p.Ala485fs)

Gene: ALPL (alkaline phosphatase, biomineralization associated; plus strand). Cytogenetic location: 1p36.12.
Variant type: Insertion.
Coding change: c.1452_1453insT on transcript NM_000478.6 (MANE Select); coding-DNA positions 1452 to 1453, T inserted.
Protein change: p.Ala485fs; shifts the reading frame from alanine 485.
Molecular consequence: frameshift variant.
Genome position: GRCh38 VCF-style: chr1-21577525-G-GT. GRCh37 (hg19) VCF-style: chr1-21904018-G-GT.
Other names: c.1287_1288insT, p.Ala430fs (NM_001127501.4); c.1221_1222insT, p.Ala408fs (NM_001177520.3); c.1452_1453insT, p.Ala485fs (NM_001369803.2, NM_001369804.2, NM_001369805.2); short protein forms A408fs, A430fs, A485fs.
Identifiers: ClinVar variation 4974793 (VCV004974793.1).